The following is an entry in ClinVar:

NM_000138.5(FBN1):c.5309G>A (p.Cys1770Tyr)

Gene: FBN1 (fibrillin 1; minus strand). Cytogenetic location: 15q21.1.
Variant type: single nucleotide variant.
Coding change: c.5309G>A on transcript NM_000138.5 (MANE Select); coding-DNA position 5309, G replaced by A.
Protein change: p.Cys1770Tyr; replaces cysteine 1770 with tyrosine.
Molecular consequence: missense variant.
Genome position (GRCh38, 1-based): chr15:48,456,750, C>T on the plus strand (G>A on the coding strand, the complement: FBN1 is on the minus strand). VCF-style: chr15-48456750-C-T. GRCh37 (hg19) VCF-style: chr15-48748947-C-T.
Other names: short protein forms C1770Y.
Identifiers: ClinVar variation 842482 (VCV000842482.10), dbSNP rs2043241537, ClinGen allele CA392346482.

ClinVar aggregate classification (germline): Pathogenic/Likely pathogenic. Review status: criteria provided, multiple submitters, no conflicts (2 of 4 stars). 2 submissions from 2 submitters: Pathogenic (1); Likely pathogenic (1). Last evaluated 2026-01-19.

Conditions:
Familial thoracic aortic aneurysm and aortic dissection (TAAD). Also called: Thoracic aortic aneurysms and dissections. Identifiers: Orphanet 91387, MedGen C4707243, MONDO:0019625.
Marfan syndrome (MFS). Also called: FBN1-Related Marfan Syndrome; Marfan's syndrome; MARFAN SYNDROME, TYPE I; Marfan syndrome type 1; Marfan syndrome, classic. Identifiers: Orphanet 284963, Orphanet 558, MedGen C0024796, MONDO:0007947, OMIM 154700.
Marfan Syndrome/Loeys-Dietz Syndrome/Familial Thoracic Aortic Aneurysms and Dissections. Identifiers: MedGen CN229799.

Submissions (2):

Labcorp Genetics (formerly Invitae), Labcorp
Classification: Pathogenic for Marfan syndrome; Familial thoracic aortic aneurysm and aortic dissection. Last evaluated: 2026-01-19. Review status: criteria provided, single submitter. Criteria: Invitae Variant Classification Sherloc (09022015). Collection method: clinical testing. Allele origin: germline.
Comment: This sequence change replaces cysteine, which is neutral and slightly polar, with tyrosine, which is neutral and polar, at codon 1770 of the FBN1 protein (p.Cys1770Tyr). This variant is not present in population databases (gnomAD no frequency). This missense change has been observed in individuals with clinical features of Marfan syndrome (PMID: 15583982; internal data). ClinVar contains an entry for this variant (Variation ID: 842482). Invitae Evidence Modeling of protein sequence and biophysical properties (such as structural, functional, and spatial information, amino acid conservation, physicochemical variation, residue mobility, and thermodynamic stability) indicates that this missense variant is expected to disrupt FBN1 protein function with a positive predictive value of 95%. This variant affects a cysteine residue in the EGF-like, TGFBP or hybrid motif domains of FBN1. Cysteine residues are believed to be involved in intramolecular disulfide bridges and have been shown to be important for FBN1 protein structure (PMID: 16905551, 19349279). In addition, missense substitutions affecting cysteine residues within these domains are significantly overrepresented among patients with Marfan syndrome (PMID: 16571647, 17701892). This variant disrupts the p.Cys1770 amino acid residue in FBN1. Other variant(s) that disrupt this residue have been observed in individuals with FBN1-related conditions (PMID: 14695540), which suggests that this may be a clinically significant amino acid residue. For these reasons, this variant has been classified as Pathogenic.

Women's Health and Genetics/Laboratory Corporation of America, LabCorp
Classification: Likely pathogenic for Marfan Syndrome/Loeys-Dietz Syndrome/Familial Thoracic Aortic Aneurysms and Dissections. Last evaluated: 2019-10-15. Review status: criteria provided, single submitter. Criteria: LabCorp Variant Classification Summary - May 2015. Collection method: clinical testing. Allele origin: germline.
Comment: Variant summary: FBN1 c.5309G>A (p.Cys1770Tyr) results in a non-conservative amino acid change located in the EGF-like domain (IPR000742) of the encoded protein sequence. "The sulfhydryl group of cysteine is unique in its ability to participate in disulfide covalent cross-linkage . In fact, two thirds of fibrillin cysteine residues exist in the half-cystinyl form, suggesting their participation in intramolecular disulfide linkage. The cysteine residues in the EGF-like motif may also be necessary for intermolecular interactions with other fibrillin molecules or with other proteins (Dietz_1992)." Therefore, alteration of cysteine in this domain could disrupt disulfide binding, effecting secondary or tertiary structure or possibly impairing fibrillin interactions. Five of five in-silico tools predict a damaging effect of the variant on protein function. The variant was absent in 250856 control chromosomes (gnomAD). c.5309G>A has been reported in the literature in individuals affected with Marfan Syndrome (Huang_2004, UMD Database). These data indicate that the variant may be associated with disease. To our knowledge, no experimental evidence demonstrating an impact on protein function has been reported. No clinical diagnostic laboratories have submitted clinical-significance assessments for this variant to ClinVar after 2014. Based on the evidence outlined above, the variant was classified as likely pathogenic.

Literature cited by the submitters: PubMed 15583982 (cited by Labcorp Genetics (formerly Invitae), Labcorp and Women's Health and Genetics/Laboratory Corporation of America, LabCorp); PubMed 16905551 (cited by Labcorp Genetics (formerly Invitae), Labcorp); PubMed 19349279 (cited by Labcorp Genetics (formerly Invitae), Labcorp); PubMed 16571647 (cited by Labcorp Genetics (formerly Invitae), Labcorp); PubMed 17701892 (cited by Labcorp Genetics (formerly Invitae), Labcorp); PubMed 14695540 (cited by Labcorp Genetics (formerly Invitae), Labcorp); PubMed 22913777 (cited by Women's Health and Genetics/Laboratory Corporation of America, LabCorp).